The following is an entry in ClinVar:

ClinVar aggregate classification (germline): Uncertain significance (1 of 4 stars; one submission).

Conditions:
PLXNA4-related disorder. Also called: PLXNA4-related condition.

gnomAD v4.1: 22 of 1,614,104 alleles (0.0014%); highest among the groups gnomAD compares: Non-Finnish European, 0.0018%; no homozygotes.

Submission:

PreventionGenetics, part of Exact Sciences
Classification: Uncertain significance for PLXNA4-related condition. Last evaluated: 2025-02-19. Review status: criteria provided, single submitter. Criteria: ACMG Guidelines, 2015. Collection method: clinical testing. Allele origin: germline.
Comment: The PLXNA4 c.1631G>A variant is predicted to result in the amino acid substitution p.Arg544Gln. To our knowledge, this variant has not been reported in the literature. This variant is reported in 0.00088% of alleles in individuals of European (non-Finnish) descent in gnomAD. At this time, the clinical significance of this variant is uncertain due to the absence of conclusive functional and genetic evidence.

NM_020911.2(PLXNA4):c.1631G>A (p.Arg544Gln)

Gene: PLXNA4 (plexin A4; minus strand). Cytogenetic location: 7q32.3.
Variant type: single nucleotide variant.
Coding change: c.1631G>A on transcript NM_020911.2 (MANE Select); coding-DNA position 1631, G replaced by A.
Protein change: p.Arg544Gln; replaces arginine 544 with glutamine.
Molecular consequence: missense variant.
Genome position (GRCh38, 1-based): chr7:132,228,443, C>T on the plus strand (G>A on the coding strand, the complement: PLXNA4 is on the minus strand). VCF-style: chr7-132228443-C-T. GRCh37 (hg19) VCF-style: chr7-131913202-C-T.
Other names: c.1631G>A, p.Arg544Gln (NM_001393897.1); short protein forms R544Q.
Identifiers: ClinVar variation 4987074 (VCV004987074.1).